The following is an entry in ClinVar:

ClinVar aggregate classification (germline): Pathogenic (1 of 4 stars; one submission).

Conditions:
Joubert syndrome 21 (JBTS21). Identifiers: MedGen C3810212, MONDO:0014288, OMIM 615636.

Allele frequency attached by ClinVar (database versions not stated): gnomAD exomes below 0.00001.
gnomAD v4.1: 4 of 1,557,408 alleles (0.00026%); highest among the groups gnomAD compares: Non-Finnish European, 0.00035%; no homozygotes.

Submission:

Labcorp Genetics (formerly Invitae), Labcorp
Classification: Pathogenic for Joubert syndrome 21. Last evaluated: 2021-07-12. Review status: criteria provided, single submitter. Criteria: Invitae Variant Classification Sherloc (09022015). Collection method: clinical testing. Allele origin: germline.
Comment: This sequence change creates a premature translational stop signal (p.Glu697*) in the CSPP1 gene. It is expected to result in an absent or disrupted protein product. For these reasons, this variant has been classified as Pathogenic. Loss-of-function variants in CSPP1 are known to be pathogenic (PMID: 24360807, 24360808). This variant has not been reported in the literature in individuals with CSPP1-related conditions. This variant is not present in population databases (ExAC no frequency).

Literature cited by the submitters: PubMed 24360807; PubMed 24360808.

NM_001382391.1(CSPP1):c.2104G>T (p.Glu702Ter)

Gene: CSPP1 (centrosome and spindle pole associated protein 1; plus strand). Cytogenetic location: 8q13.2.
Variant type: single nucleotide variant.
Coding change: c.2104G>T on transcript NM_001382391.1 (MANE Select); coding-DNA position 2104, G replaced by T.
Protein change: p.Glu702Ter; replaces glutamic acid 702 with a stop codon.
Molecular consequence: nonsense. On other transcripts: intron variant (3).
Genome position (GRCh38, 1-based): chr8:67,149,911, G>T. VCF-style: chr8-67149911-G-T. GRCh37 (hg19) VCF-style: chr8-68062146-G-T.
Other names: c.2023G>T, p.Glu675Ter (NM_001363131.2); c.2170G>T, p.Glu724Ter (NM_001364869.1); c.1990G>T, p.Glu664Ter (NM_001364870.1); c.2089G>T, p.Glu697Ter (NM_024790.7); c.1934-4113G>T (NM_001363132.2); c.1853-4113G>T (NM_001363133.2); c.1079-4113G>T (NM_001291339.2); short protein forms E675*, E664*, E697*, E724*, E702*.
Identifiers: ClinVar variation 843899 (VCV000843899.8), dbSNP rs1825358020, ClinGen allele CA371186858.